The following is an entry in ClinVar:

NM_173651.4(FSIP2):c.1195-8C>T

Gene: FSIP2 (fibrous sheath interacting protein 2; plus strand). Cytogenetic location: 2q32.1.
Variant type: single nucleotide variant.
Coding change: c.1195-8C>T on transcript NM_173651.4 (MANE Select); 8 bases into the intron before coding-DNA position 1195, C replaced by T.
Molecular consequence: intron variant.
Genome position (GRCh38, 1-based): chr2:185,761,964, C>T. VCF-style: chr2-185761964-C-T. GRCh37 (hg19) VCF-style: chr2-186626691-C-T.
Identifiers: ClinVar variation 3050324 (VCV003050324.2), dbSNP rs1319587819, ClinGen allele CA538159191.

ClinVar aggregate classification (germline): Likely benign (0 of 4 stars; one submission).

Conditions:
FSIP2-related disorder. Also called: FSIP2-related condition.

Allele frequency attached by ClinVar (database versions not stated): gnomAD 0.00001.
gnomAD v4.1: 17 of 1,451,538 alleles (0.0012%); highest among the groups gnomAD compares: Non-Finnish European, 0.0015%; no homozygotes.

Submission:

PreventionGenetics, part of Exact Sciences
Classification: Likely benign for FSIP2-related condition. Last evaluated: 2019-07-15. Review status: no assertion criteria provided. Collection method: clinical testing. Allele origin: germline.
Comment: This variant is classified as likely benign based on ACMG/AMP sequence variant interpretation guidelines (Richards et al. 2015 PMID: 25741868, with internal and published modifications).